The following is an entry in ClinVar:

ClinVar aggregate classification (germline): Uncertain significance (1 of 4 stars; one submission).

Conditions:
Progressive familial heart block type IB (PFHB1B). Identifiers: Orphanet 871, MedGen C1970298, MONDO:0011474, OMIM 604559.

Submission:

Labcorp Genetics (formerly Invitae), Labcorp
Classification: Uncertain significance for Progressive familial heart block type IB. Last evaluated: 2022-11-19. Review status: criteria provided, single submitter. Criteria: Invitae Variant Classification Sherloc (09022015). Collection method: clinical testing. Allele origin: germline.
Comment: In summary, the available evidence is currently insufficient to determine the role of this variant in disease. Therefore, it has been classified as a Variant of Uncertain Significance. Variants that disrupt the consensus splice site are a relatively common cause of aberrant splicing (PMID: 17576681, 9536098). Algorithms developed to predict the effect of sequence changes on RNA splicing suggest that this variant is not likely to affect RNA splicing. This variant has not been reported in the literature in individuals affected with TRPM4-related conditions. This variant is not present in population databases (gnomAD no frequency). This sequence change falls in intron 24 of the TRPM4 gene. It does not directly change the encoded amino acid sequence of the TRPM4 protein. It affects a nucleotide within the consensus splice site.

Literature cited by the submitters: PubMed 17576681; PubMed 9536098.

NM_017636.4(TRPM4):c.3641-3C>T

Gene: TRPM4 (transient receptor potential cation channel subfamily M member 4; plus strand). Cytogenetic location: 19q13.33.
Variant type: single nucleotide variant.
Coding change: c.3641-3C>T on transcript NM_017636.4 (MANE Select); 3 bases into the intron before coding-DNA position 3641, C replaced by T.
Molecular consequence: intron variant.
Genome position (GRCh38, 1-based): chr19:49,211,491, C>T. VCF-style: chr19-49211491-C-T. GRCh37 (hg19) VCF-style: chr19-49714748-C-T.
Other names: c.3206-3C>T (NM_001195227.2); c.2033-3C>T (NM_001321282.2); c.3296-3C>T (NM_001321281.2); c.3119-3C>T (NM_001321283.2); c.2579-3C>T (NM_001321285.2).
Identifiers: ClinVar variation 2985963 (VCV002985963.3), dbSNP rs528751314, ClinGen allele CA2740096959.